The following is an entry in ClinVar:

NM_000155.4(GALT):c.378-12G>A

Gene: GALT (galactose-1-phosphate uridylyltransferase; plus strand). Cytogenetic location: 9p13.3.
Variant type: single nucleotide variant.
Coding change: c.378-12G>A on transcript NM_000155.4 (MANE Select); 12 bases into the intron before coding-DNA position 378, G replaced by A.
Molecular consequence: intron variant.
Genome position (GRCh38, 1-based): chr9:34,647,820, G>A. VCF-style: chr9-34647820-G-A. GRCh37 (hg19) VCF-style: chr9-34647817-G-A.
Other names: c.51-12G>A (NM_001258332.2).
Identifiers: ClinVar variation 913657 (VCV000913657.18), dbSNP rs151309174, ClinGen allele CA5036113.

ClinVar aggregate classification (germline): Uncertain significance. Review status: reviewed by expert panel (3 of 4 stars). 3 submissions from 3 submitters: Uncertain significance (1). 2 of the submissions do not count toward it. Last evaluated 2026-09-22.

Conditions:
Deficiency of UDPglucose-hexose-1-phosphate uridylyltransferase. Also called: GALT deficiency; Galactosemia, classic; GALACTOSEMIA I; GALACTOSE-1-PHOSPHATE URIDYLYLTRANSFERASE DEFICIENCY; Transferase Deficiency Galactosemia. Identifiers: Orphanet 352, Orphanet 79239, MedGen C0268151, MONDO:0009258, OMIM 230400.
Galactosemia. Also called: Galactose intolerance. Identifiers: Orphanet 352, MedGen C0016952, MONDO:0018116, HP:0004919. Disease mechanism: loss of function.

Allele frequency attached by ClinVar (database versions not stated): gnomAD 0.00011 and 0.00014; ExAC 0.00013; gnomAD exomes 0.00014; TOPMed 0.00016; ESP Exome Variant Server 0.00023; 1000 Genomes Project 30x 0.00031; 1000 Genomes Project 0.00040.

Submissions (8):

Clingen Galactosemia Variant Curation Expert Panel, ClinGen
Classification: Uncertain significance for Galactosemia. Last evaluated: 2026-09-22. Review status: reviewed by expert panel. Criteria: ClinGen Galactosemia ACMG Specifications GALT V1.1. Collection method: curation. Allele origin: germline. Inheritance: Autosomal recessive inheritance.
Comment: The c.378-12G>A variant in GALT is an intronic variant which is located in intron 4. The filtering allele frequency of the c.378-12G>A variant in GALT is 0.0001 for East Asian chromosomes by gnomAD v4.1.0, which is lower than the ClinGen Galactosemia threshold (≤ 0.0005) for PM2_Supporting, and therefore meets this criterion (PM2_Supporting). The computational splicing predictor SpliceAI gives a score of 0.02 for acceptor gain suggesting that the variant has no impact on splicing (BP4). At least one individual heterozygous for this variant displayed slightly reduced GALT enzyme activity at 15 umol/hr/gHb (normal>18 umol/hr/gHb) (PMID 30994193). In summary, this variant meets the criteria to be classified as a variant of uncertain significance for galactosemia based on the ACMG/AMP criteria applied, as specified by the ClinGen Galactosemia VCEP: PM2_supporting, BP4 (GALT specifications v1.0).

Labcorp Genetics (formerly Invitae), Labcorp
Classification: Likely benign for Deficiency of UDPglucose-hexose-1-phosphate uridylyltransferase. Last evaluated: 2026-01-16. Review status: criteria provided, single submitter. Criteria: Invitae Variant Classification Sherloc (09022015). Collection method: clinical testing. Allele origin: germline. Not counted in ClinVar's aggregate classification.

Illumina Laboratory Services, Illumina
Classification: Uncertain significance for Deficiency of UDPglucose-hexose-1-phosphate uridylyltransferase. Last evaluated: 2017-04-27. Review status: criteria provided, single submitter. Criteria: ICSL Variant Classification Criteria 13 December 2019. Collection method: clinical testing. Allele origin: germline. Not counted in ClinVar's aggregate classification.

Dr. Peter K. Rogan Lab, Western University
No classification provided (evidence only). Condition: Acute myeloid leukemia. Review status: no classification provided. Collection method: in vitro. Allele origin: not applicable. Functional consequence: retained intron. Not counted in ClinVar's aggregate classification.

Dr. Peter K. Rogan Lab, Western University
No classification provided (evidence only). Condition: Acute myeloid leukemia. Review status: no classification provided. Collection method: in vitro. Allele origin: not applicable. Functional consequence: retained intron. Not counted in ClinVar's aggregate classification.

Dr. Peter K. Rogan Lab, Western University
No classification provided (evidence only). Condition: Thyroid cancer, nonmedullary, 1. Review status: no classification provided. Collection method: in vitro. Allele origin: not applicable. Functional consequence: retained intron. Not counted in ClinVar's aggregate classification.

Dr. Peter K. Rogan Lab, Western University
No classification provided (evidence only). Condition: Gastric cancer. Review status: no classification provided. Collection method: in vitro. Allele origin: not applicable. Functional consequence: retained intron. Not counted in ClinVar's aggregate classification.

Dr. Peter K. Rogan Lab, Western University
No classification provided (evidence only). Condition: Uveal melanoma. Review status: no classification provided. Collection method: in vitro. Allele origin: not applicable. Functional consequence: retained intron. Not counted in ClinVar's aggregate classification.